The following is an entry in ClinVar:

ClinVar aggregate classification (germline): Pathogenic. Review status: criteria provided, multiple submitters, no conflicts (2 of 4 stars). 3 submissions from 3 submitters: Pathogenic (3). Last evaluated 2025-11-26.

Conditions:
Mitochondrial complex II deficiency, nuclear type 1. Also called: SUCCINATE CoQ REDUCTASE DEFICIENCY. Identifiers: Orphanet 3208, MedGen C5700310, MONDO:0100294, OMIM 252011.
Pheochromocytoma/paraganglioma syndrome 5. Also called: Paragangliomas 5; SDHA-Related Hereditary Paraganglioma-Pheochromocytoma Syndrome. Identifiers: Orphanet 29072, MedGen C3279992, MONDO:0013602, OMIM 614165.
Hereditary cancer-predisposing syndrome. Also called: Neoplastic Syndromes, Hereditary; Tumor predisposition; Hereditary Cancer Syndrome; Hereditary neoplastic syndrome. Identifiers: Orphanet 140162, MedGen C0027672, MeSH D009386, MONDO:0015356.

Submissions (3):

Labcorp Genetics (formerly Invitae), Labcorp
Classification: Pathogenic for Pheochromocytoma/paraganglioma syndrome 5; Mitochondrial complex II deficiency, nuclear type 1. Last evaluated: 2025-11-26. Review status: criteria provided, single submitter. Criteria: Invitae Variant Classification Sherloc (09022015). Collection method: clinical testing. Allele origin: germline.
Comment: This sequence change affects the initiator codon of the SDHA mRNA. This change may impact translation initiation or efficiency. The next in-frame methionine is located at codon 114. This variant is not present in population databases (gnomAD no frequency). Disruption of the initiator codon has been observed in individuals with autosomal recessive complex II deficiency, gastrointestinal stromal tumor and renal cell carcinoma, and/or paraganglioma (PMID: 24096523, 26642834, 26722403, 28384794; internal data). ClinVar contains an entry for this variant (Variation ID: 2562379). For these reasons, this variant has been classified as Pathogenic.

Ambry Genetics
Classification: Pathogenic for Hereditary cancer-predisposing syndrome. Last evaluated: 2025-05-27. Review status: criteria provided, single submitter. Criteria: Ambry Variant Classification Scheme 2023. Collection method: clinical testing. Allele origin: germline.
Comment: The c.3G>A (p.M1?) alteration is located in coding exon 1 of the SDHA gene and results from a G to A substitution at nucleotide position 3. This alters the methionine residue at the initiation codon (ATG). Sequence variations that modify the initiation codon are expected to result in either loss of translation initiation, N-terminal truncation, or cause a shift in the mRNA reading frame. This variant was not reported in population-based cohorts in the Genome Aggregation Database (gnomAD). This amino acid position is well conserved in available vertebrate species. Based on the available evidence, this alteration is classified as pathogenic.

Myriad Genetics, Inc.
Classification: Pathogenic for Pheochromocytoma/paraganglioma syndrome 5. Last evaluated: 2024-02-06. Review status: criteria provided, single submitter. Criteria: Myriad Autosomal Dominant, Autosomal Recessive and X-Linked Classification Criteria (2023). Collection method: clinical testing. Allele origin: unknown.
Comment: This variant is considered pathogenic. This variant is located within the gene translation start codon (p.Met1?) and is predicted to result in abnormal protein translation. This variant has been reported in multiple individuals with clinical features of gene-specific disease [PMID: 35014173, 28384794, 10746566, 26722403, 32971818].

Literature cited by the submitters: PubMed 24096523 (cited by Labcorp Genetics (formerly Invitae), Labcorp); PubMed 26642834 (cited by Labcorp Genetics (formerly Invitae), Labcorp); PubMed 26722403 (cited by Labcorp Genetics (formerly Invitae), Labcorp and Myriad Genetics, Inc.); PubMed 28384794 (cited by Labcorp Genetics (formerly Invitae), Labcorp and Myriad Genetics, Inc.); PubMed 35014173 (cited by Myriad Genetics, Inc.); PubMed 10746566 (cited by Myriad Genetics, Inc.); PubMed 32971818 (cited by Myriad Genetics, Inc.).

NM_004168.4(SDHA):c.3G>A (p.Met1Ile)

Gene: SDHA (succinate dehydrogenase complex flavoprotein subunit A; plus strand). Cytogenetic location: 5p15.33.
Variant type: single nucleotide variant.
Coding change: c.3G>A on transcript NM_004168.4 (MANE Select); coding-DNA position 3, G replaced by A.
Protein change: p.Met1Ile; changes the start codon (methionine 1).
Molecular consequence: missense variant, initiator codon variant.
Genome position (GRCh38, 1-based): chr5:218,358, G>A. VCF-style: chr5-218358-G-A. GRCh37 (hg19) VCF-style: chr5-218473-G-A.
Other names: c.3G>A, p.Met1Ile (NM_001294332.2, NM_001330758.2); short protein forms M1I.
Identifiers: ClinVar variation 2562379 (VCV002562379.7), dbSNP rs2126522051, ClinGen allele CA359007235.